The following is an entry in ClinVar:

NM_016507.4(CDK12):c.347A>G (p.His116Arg)

Genes: CDK12 (cyclin dependent kinase 12; plus strand), LOC126862553 (CDK7 strongly-dependent group 2 enhancer GRCh37_chr17:37618166-37619365; plus strand). Cytogenetic location: 17q12.
Variant type: single nucleotide variant.
Coding change: c.347A>G on transcript NM_016507.4 (MANE Select); coding-DNA position 347, A replaced by G.
Protein change: p.His116Arg; replaces histidine 116 with arginine.
Molecular consequence: missense variant.
Genome position (GRCh38, 1-based): chr17:39,462,418, A>G. VCF-style: chr17-39462418-A-G. GRCh37 (hg19) VCF-style: chr17-37618671-A-G.
Other names: c.347A>G, p.His116Arg (NM_015083.4); short protein forms H116R.
Identifiers: ClinVar variation 3265413 (VCV003265413.2).

ClinVar aggregate classification (germline): Uncertain significance (1 of 4 stars; one submission).

gnomAD v4.1: 398 of 1,614,034 alleles (0.025%); highest among the groups gnomAD compares: Non-Finnish European, 0.032%; no homozygotes.

Submission:

Ambry Genetics
Classification: Uncertain significance. Last evaluated: 2024-11-18. Review status: criteria provided, single submitter. Criteria: Ambry Variant Classification Scheme 2023. Collection method: clinical testing. Allele origin: germline.
Comment: The p.H116R variant (also known as c.347A>G), located in coding exon 1 of the CDK12 gene, results from an A to G substitution at nucleotide position 347. The histidine at codon 116 is replaced by arginine, an amino acid with highly similar properties. This amino acid position is conserved. In addition, this alteration is predicted to be tolerated by in silico analysis. Based on the available evidence, the clinical significance of this variant remains unclear.